The following is an entry in ClinVar:

NM_080732.4(EGLN2):c.637C>T (p.Leu213Phe)

Genes: RAB4B-EGLN2 (RAB4B-EGLN2 readthrough (NMD candidate); plus strand), EGLN2 (egl-9 family hypoxia inducible factor 2; plus strand). Cytogenetic location: 19q13.2.
Variant type: single nucleotide variant.
Coding change: c.637C>T on transcript NM_080732.4 (MANE Select); coding-DNA position 637, C replaced by T.
Protein change: p.Leu213Phe; replaces leucine 213 with phenylalanine.
Molecular consequence: missense variant. On other transcripts: non-coding transcript variant (1).
Genome position (GRCh38, 1-based): chr19:40,801,209, C>T. VCF-style: chr19-40801209-C-T. GRCh37 (hg19) VCF-style: chr19-41307114-C-T.
Other names: c.637C>T, p.Leu213Phe (NM_053046.4); short protein forms L213F.
Identifiers: ClinVar variation 1753157 (VCV001753157.2), dbSNP rs2083254826, ClinGen allele CA405955675.

ClinVar aggregate classification (germline): Uncertain significance (1 of 4 stars; one submission).

Allele frequency attached by ClinVar (database versions not stated): gnomAD exomes below 0.00001.

Submission:

Ambry Genetics
Classification: Uncertain significance. Last evaluated: 2022-10-27. Review status: criteria provided, single submitter. Criteria: Ambry Variant Classification Scheme 2023. Collection method: clinical testing. Allele origin: germline.
Comment: The p.L213F variant (also known as c.637C>T), located in coding exon 1 of the EGLN2 gene, results from a C to T substitution at nucleotide position 637. The leucine at codon 213 is replaced by phenylalanine, an amino acid with highly similar properties. This amino acid position is conserved. In addition, this alteration is predicted to be tolerated by in silico analysis. Since supporting evidence is limited at this time, the clinical significance of this alteration remains unclear.